The following is an entry in ClinVar:

NM_000039.3(APOA1):c.602G>C (p.Arg201Pro)

Gene: APOA1 (apolipoprotein A1; minus strand). Cytogenetic location: 11q23.3.
Variant type: single nucleotide variant.
Coding change: c.602G>C on transcript NM_000039.3 (MANE Select); coding-DNA position 602, G replaced by C.
Protein change: p.Arg201Pro; replaces arginine 201 with proline.
Molecular consequence: missense variant.
Genome position (GRCh38, 1-based): chr11:116,836,010, C>G on the plus strand (G>C on the coding strand, the complement: APOA1 is on the minus strand). VCF-style: chr11-116836010-C-G. GRCh37 (hg19) VCF-style: chr11-116706726-C-G.
Other names: c.602G>C, p.Arg201Pro (NM_001318017.2, NM_001318018.2); c.275G>C, p.Arg92Pro (NM_001318021.2); short protein forms R92P, R201P.
Identifiers: ClinVar variation 2111719 (VCV002111719.4), dbSNP rs753109330, ClinGen allele CA382715010.

ClinVar aggregate classification (germline): Uncertain significance (1 of 4 stars; one submission).

Submission:

Labcorp Genetics (formerly Invitae), Labcorp
Classification: Uncertain significance. Last evaluated: 2025-02-12. Review status: criteria provided, single submitter. Criteria: Invitae Variant Classification Sherloc (09022015). Collection method: clinical testing. Allele origin: germline.
Comment: This sequence change replaces arginine, which is basic and polar, with proline, which is neutral and non-polar, at codon 201 of the APOA1 protein (p.Arg201Pro). This variant is not present in population databases (gnomAD no frequency). This variant has not been reported in the literature in individuals affected with APOA1-related conditions. ClinVar contains an entry for this variant (Variation ID: 2111719). Invitae Evidence Modeling of protein sequence and biophysical properties (such as structural, functional, and spatial information, amino acid conservation, physicochemical variation, residue mobility, and thermodynamic stability) has been performed for this missense variant. However, the output from this modeling did not meet the statistical confidence thresholds required to predict the impact of this variant on APOA1 protein function. In summary, the available evidence is currently insufficient to determine the role of this variant in disease. Therefore, it has been classified as a Variant of Uncertain Significance.